The following is an entry in ClinVar:

NM_000214.3(JAG1):c.2201G>A (p.Gly734Asp)

Gene: JAG1 (jagged canonical Notch ligand 1; minus strand). Cytogenetic location: 20p12.2.
Variant type: single nucleotide variant.
Coding change: c.2201G>A on transcript NM_000214.3 (MANE Select); coding-DNA position 2201, G replaced by A.
Protein change: p.Gly734Asp; replaces glycine 734 with aspartic acid.
Molecular consequence: missense variant.
Genome position (GRCh38, 1-based): chr20:10,645,169, C>T on the plus strand (G>A on the coding strand, the complement: JAG1 is on the minus strand). VCF-style: chr20-10645169-C-T. GRCh37 (hg19) VCF-style: chr20-10625817-C-T.
Other names: short protein forms G734D.
Identifiers: ClinVar variation 1465069 (VCV001465069.8), dbSNP rs2122602901, ClinGen allele CA408235160.

ClinVar aggregate classification (germline): Uncertain significance (1 of 4 stars; one submission).

Conditions:
Alagille syndrome due to a JAG1 point mutation. Also called: JAG1-Related Alagille Syndrome; HEPATIC DUCTULAR HYPOPLASIA, SYNDROMATIC; Alagille Syndrome 1. Identifiers: Orphanet 261619, Orphanet 52, MedGen C1956125, MONDO:0016862, OMIM 118450.

Submission:

Labcorp Genetics (formerly Invitae), Labcorp
Classification: Uncertain significance for Alagille syndrome due to a JAG1 point mutation. Last evaluated: 2022-03-10. Review status: criteria provided, single submitter. Criteria: Invitae Variant Classification Sherloc (09022015). Collection method: clinical testing. Allele origin: germline.
Comment: Algorithms developed to predict the effect of missense changes on protein structure and function (SIFT, PolyPhen-2, Align-GVGD) all suggest that this variant is likely to be disruptive. This variant has not been reported in the literature in individuals affected with JAG1-related conditions. This variant is not present in population databases (gnomAD no frequency). This sequence change replaces glycine, which is neutral and non-polar, with aspartic acid, which is acidic and polar, at codon 734 of the JAG1 protein (p.Gly734Asp). In summary, the available evidence is currently insufficient to determine the role of this variant in disease. Therefore, it has been classified as a Variant of Uncertain Significance.